The following is an entry in ClinVar:

NM_002529.4(NTRK1):c.1875del (p.Gln626fs)

Gene: NTRK1 (neurotrophic receptor tyrosine kinase 1; plus strand). Cytogenetic location: 1q23.1.
Variant type: Deletion.
Coding change: c.1875del on transcript NM_002529.4 (MANE Select); coding-DNA position 1875, one base deleted (G; older notation c.1875delG).
Protein change: p.Gln626fs; shifts the reading frame from glutamine 626.
Molecular consequence: frameshift variant.
Genome position (GRCh38, 1-based): chr1:156,879,191, G deleted; the last of 4 consecutive G bases (chr1:156,879,188-156,879,191); deleting any one gives the same sequence. VCF-style (leftmost placement, unchanged base first): chr1-156879187-TG-T. GRCh37 (hg19) VCF-style: chr1-156848979-TG-T.
Other names: c.1875delG, p.Gln626Serfs (NM_001007204.1); c.1767del, p.Gln590fs (NM_001007792.1); c.1857del, p.Gln620fs (NM_001012331.2); short protein forms Q626fs, Q590fs, Q620fs.
Identifiers: ClinVar variation 2694650 (VCV002694650.4), dbSNP rs2525654508, ClinGen allele CA2573937717.

ClinVar aggregate classification (germline): Pathogenic/Likely pathogenic. Review status: criteria provided, multiple submitters, no conflicts (2 of 4 stars). 2 submissions from 2 submitters: Pathogenic (1); Likely pathogenic (1). Last evaluated 2024-03-06.

Conditions:
Hereditary insensitivity to pain with anhidrosis (CIPA). Also called: HSAN Type IV; NTRK1 Congenital Insensitivity to Pain with Anhidrosis; NEUROPATHY, CONGENITAL SENSORY, WITH ANHIDROSIS; hereditary sensory and autonomic neuropathy type 4; INSENSITIVITY TO PAIN, CONGENITAL, WITH ANHIDROSIS; FAMILIAL DYSAUTONOMIA, TYPE II. Identifiers: Orphanet 642, MedGen C0020074, MONDO:0009746, OMIM 256800.

Submissions (2):

Natera, Inc.
Classification: Likely pathogenic for Hereditary insensitivity to pain with anhidrosis. Last evaluated: 2024-03-06. Review status: criteria provided, single submitter. Criteria: Natera Variant Classification Schema (03/2026). Collection method: clinical testing. Allele origin: germline.
Comment: The c.1857delG variant in NTRK1 is a frameshift variant predicted to shift the reading frame beginning at codon 620 and leads to a stop codon 32 codons downstream. This variant is expected to result in nonsense mediated decay, truncation, or a dysfunctional protein product. This variant is rare in the general population with a frequency below the threshold expected for the associated phenotype(s). Given the available evidence, this variant is classified as Likely Pathogenic.

Labcorp Genetics (formerly Invitae), Labcorp
Classification: Pathogenic for Hereditary insensitivity to pain with anhidrosis. Last evaluated: 2023-11-10. Review status: criteria provided, single submitter. Criteria: Invitae Variant Classification Sherloc (09022015). Collection method: clinical testing. Allele origin: germline.
Comment: This sequence change creates a premature translational stop signal (p.Gln620Serfs*32) in the NTRK1 gene. It is expected to result in an absent or disrupted protein product. Loss-of-function variants in NTRK1 are known to be pathogenic (PMID: 10982191). This variant is not present in population databases (gnomAD no frequency). This variant has not been reported in the literature in individuals affected with NTRK1-related conditions. For these reasons, this variant has been classified as Pathogenic.

Literature cited by the submitters: PubMed 10982191 (cited by Labcorp Genetics (formerly Invitae), Labcorp).